The following is an entry in ClinVar:

NM_030665.4(RAI1):c.5629A>G (p.Thr1877Ala)

Gene: RAI1 (retinoic acid induced 1; plus strand). Cytogenetic location: 17p11.2.
Variant type: single nucleotide variant.
Coding change: c.5629A>G on transcript NM_030665.4 (MANE Select); coding-DNA position 5629, A replaced by G.
Protein change: p.Thr1877Ala; replaces threonine 1877 with alanine.
Molecular consequence: missense variant.
Genome position (GRCh38, 1-based): chr17:17,803,819, A>G. VCF-style: chr17-17803819-A-G. GRCh37 (hg19) VCF-style: chr17-17707133-A-G.
Other names: short protein forms T1877A.
Identifiers: ClinVar variation 4736756 (VCV004736756.1).

ClinVar aggregate classification (germline): Uncertain significance (1 of 4 stars; one submission).

Submission:

Labcorp Genetics (formerly Invitae), Labcorp
Classification: Uncertain significance. Last evaluated: 2025-12-16. Review status: criteria provided, single submitter. Criteria: Invitae Variant Classification Sherloc (09022015). Collection method: clinical testing. Allele origin: germline.
Comment: This sequence change replaces threonine, which is neutral and polar, with alanine, which is neutral and non-polar, at codon 1877 of the RAI1 protein (p.Thr1877Ala). This variant is not present in population databases (gnomAD no frequency). This variant has not been reported in the literature in individuals affected with RAI1-related conditions. Invitae Evidence Modeling of protein sequence and biophysical properties (such as structural, functional, and spatial information, amino acid conservation, physicochemical variation, residue mobility, and thermodynamic stability) has been performed for this missense variant. However, the output from this modeling did not meet the statistical confidence thresholds required to predict the impact of this variant on RAI1 protein function. In summary, the available evidence is currently insufficient to determine the role of this variant in disease. Therefore, it has been classified as a Variant of Uncertain Significance.